The following is an entry in ClinVar:

NM_003850.3(SUCLA2):c.952A>G (p.Ile318Val)

Gene: SUCLA2 (succinate-CoA ligase ADP-forming subunit beta; minus strand). Cytogenetic location: 13q14.2.
Variant type: single nucleotide variant.
Coding change: c.952A>G on transcript NM_003850.3 (MANE Select); coding-DNA position 952, A replaced by G.
Protein change: p.Ile318Val; replaces isoleucine 318 with valine.
Molecular consequence: missense variant.
Genome position (GRCh38, 1-based): chr13:47,954,408, T>C on the plus strand (A>G on the coding strand, the complement: SUCLA2 is on the minus strand). VCF-style: chr13-47954408-T-C. GRCh37 (hg19) VCF-style: chr13-48528543-T-C.
Other names: short protein forms I318V.
Identifiers: ClinVar variation 2416761 (VCV002416761.6), dbSNP rs2541673523, ClinGen allele CA388145495.

ClinVar aggregate classification (germline): Uncertain significance (1 of 4 stars; one submission).

Conditions:
Mitochondrial DNA depletion syndrome, encephalomyopathic form with methylmalonic aciduria (MTDPS5). Also called: MITOCHONDRIAL DNA DEPLETION SYNDROME, ENCEPHALOMYOPATHIC FORM, WITH OR WITHOUT METHYLMALONIC ACIDURIA, AUTOSOMAL RECESSIVE, SUCLA2-RELATED; Mitochondrial DNA depletion syndrome 5 (encephalomyopathic with or without methylmalonic aciduria); SUCLA2-Related Mitochondrial DNA Depletion Syndrome, Encephalomyopathic Form with Methylmalonic Aciduria; Mitochondrial encephalomyopathy aminoacidopathy. Identifiers: Orphanet 1933, MedGen C5980207, MONDO:0012791, OMIM 612073.

Allele frequency attached by ClinVar (database versions not stated): gnomAD exomes below 0.00001.

Submission:

Labcorp Genetics (formerly Invitae), Labcorp
Classification: Uncertain significance for Mitochondrial DNA depletion syndrome, encephalomyopathic form with methylmalonic aciduria. Last evaluated: 2024-03-04. Review status: criteria provided, single submitter. Criteria: Invitae Variant Classification Sherloc (09022015). Collection method: clinical testing. Allele origin: germline.
Comment: This sequence change replaces isoleucine, which is neutral and non-polar, with valine, which is neutral and non-polar, at codon 318 of the SUCLA2 protein (p.Ile318Val). This variant is not present in population databases (gnomAD no frequency). This variant has not been reported in the literature in individuals affected with SUCLA2-related conditions. ClinVar contains an entry for this variant (Variation ID: 2416761). Advanced modeling of protein sequence and biophysical properties (such as structural, functional, and spatial information, amino acid conservation, physicochemical variation, residue mobility, and thermodynamic stability) performed at Invitae indicates that this missense variant is not expected to disrupt SUCLA2 protein function with a negative predictive value of 80%. Algorithms developed to predict the effect of sequence changes on RNA splicing suggest that this variant may create or strengthen a splice site. In summary, the available evidence is currently insufficient to determine the role of this variant in disease. Therefore, it has been classified as a Variant of Uncertain Significance.